The following is an entry in ClinVar:

NM_001330700.2(TOP2B):c.660G>A (p.Met220Ile)

Gene: TOP2B (DNA topoisomerase II beta; minus strand). Cytogenetic location: 3p24.2.
Variant type: single nucleotide variant.
Coding change: c.660G>A on transcript NM_001330700.2 (MANE Select); coding-DNA position 660, G replaced by A.
Protein change: p.Met220Ile; replaces methionine 220 with isoleucine.
Molecular consequence: missense variant.
Genome position (GRCh38, 1-based): chr3:25,636,128, C>T on the plus strand (G>A on the coding strand, the complement: TOP2B is on the minus strand). VCF-style: chr3-25636128-C-T. GRCh37 (hg19) VCF-style: chr3-25677619-C-T.
Other names: c.645G>A, p.Met215Ile (NM_001068.3); c.645G>A (NM_001068.2); short protein forms M215I, M220I.
Identifiers: ClinVar variation 1467752 (VCV001467752.7), dbSNP rs750737822, ClinGen allele CA2288853.
Genomic context (GRCh38, chr3:25,636,128, plus strand): 5'-GAATGTTATGCATGTGTAATCTTCACCATCAAAATGTTTAATTTTGGCTTCAGAAGTCTT[C>T]ATCATATTATTCATCCATGTCTTTAAAAGAAAAAAATTCAAATATTTCTATAATGCTTCC-3'
Protein context (NP_001317629.1, residues 210-230): SFKQTWMNNM[Met220Ile]KTSEAKIKHF

ClinVar aggregate classification (germline): Uncertain significance. Review status: criteria provided, multiple submitters, no conflicts (2 of 4 stars). 2 submissions from 2 submitters: Uncertain significance (2). Last evaluated 2025-10-09.

Allele frequency attached by ClinVar (database versions not stated): gnomAD exomes 0.00004; TOPMed 0.00004; ExAC 0.00005; gnomAD 0.00006 and 0.00008.
gnomAD v4.1: 217 of 1,591,550 alleles (0.014%); highest among the groups gnomAD compares: Non-Finnish European, 0.018%; no homozygotes.

Submissions (2):

Labcorp Genetics (formerly Invitae), Labcorp
Classification: Uncertain significance. Last evaluated: 2025-10-09. Review status: criteria provided, single submitter. Criteria: Invitae Variant Classification Sherloc (09022015). Collection method: clinical testing. Allele origin: germline.
Comment: This sequence change replaces methionine, which is neutral and non-polar, with isoleucine, which is neutral and non-polar, at codon 215 of the TOP2B protein (p.Met215Ile). This variant is present in population databases (rs750737822, gnomAD 0.008%). This variant has not been reported in the literature in individuals affected with TOP2B-related conditions. ClinVar contains an entry for this variant (Variation ID: 1467752). An algorithm developed to predict the effect of missense changes on protein structure and function (PolyPhen-2) suggests that this variant is likely to be tolerated. In summary, the available evidence is currently insufficient to determine the role of this variant in disease. Therefore, it has been classified as a Variant of Uncertain Significance.

Ambry Genetics
Classification: Uncertain significance. Last evaluated: 2021-08-02. Review status: criteria provided, single submitter. Criteria: Ambry Variant Classification Scheme 2023. Collection method: clinical testing. Allele origin: germline.